The following is an entry in ClinVar:

NM_001737.5(C9):c.852del (p.Leu284fs)

Gene: C9 (complement C9; minus strand). Cytogenetic location: 5p13.1.
Variant type: Deletion.
Coding change: c.852del on transcript NM_001737.5 (MANE Select); coding-DNA position 852, one base deleted (G; older notation c.852delG).
Protein change: p.Leu284fs; shifts the reading frame from leucine 284.
Molecular consequence: frameshift variant.
Genome position (GRCh38, 1-based): chr5:39,315,793, C deleted on the plus strand (G on the coding strand, the reverse complement: C9 is on the minus strand). VCF-style (leftmost placement, unchanged base first): chr5-39315792-AC-A. GRCh37 (hg19) VCF-style: chr5-39315894-AC-A.
Other names: short protein forms L284fs.
Identifiers: ClinVar variation 2997144 (VCV002997144.3), dbSNP rs1414248101, ClinGen allele CA559066816.

ClinVar aggregate classification (germline): Pathogenic (1 of 4 stars; one submission).

Allele frequency attached by ClinVar (database versions not stated): gnomAD exomes below 0.00001.

Submission:

Labcorp Genetics (formerly Invitae), Labcorp
Classification: Pathogenic. Last evaluated: 2023-02-14. Review status: criteria provided, single submitter. Criteria: Invitae Variant Classification Sherloc (09022015). Collection method: clinical testing. Allele origin: germline.
Comment: This sequence change creates a premature translational stop signal (p.Leu284Phefs*14) in the C9 gene. It is expected to result in an absent or disrupted protein product. Loss-of-function variants in C9 are known to be pathogenic (PMID: 9144525, 9570574). This variant is present in population databases (no rsID available, gnomAD 0.007%). This variant has not been reported in the literature in individuals affected with C9-related conditions. For these reasons, this variant has been classified as Pathogenic.

Literature cited by the submitters: PubMed 9144525; PubMed 9570574.